The following is an entry in ClinVar:

ClinVar aggregate classification (germline): Likely benign. Review status: criteria provided, multiple submitters, no conflicts (2 of 4 stars). 5 submissions from 5 submitters: Likely benign (3). 2 of the submissions do not count toward it. Last evaluated 2025-09-04.

Conditions:
Polycystic kidney disease 4 (PKD4). Also called: PKD3; POLYCYSTIC KIDNEY AND HEPATIC DISEASE 1; POLYCYSTIC KIDNEY DISEASE, INFANTILE, TYPE I; POLYCYSTIC KIDNEY DISEASE 4 WITH OR WITHOUT POLYCYSTIC LIVER DISEASE; Autosomal Recessive Polycystic Kidney Disease – PKHD1. Identifiers: MedGen C4540575, MONDO:0033004, OMIM 263200.
PKHD1-related disorder. Also called: PKHD1-related condition.
Autosomal recessive polycystic kidney disease (ARPKD). Also called: AR polycystic kidney disease. Identifiers: Orphanet 731, Orphanet 8378, MedGen C0085548, MeSH D017044, MONDO:0009889.

Allele frequency attached by ClinVar (database versions not stated): ExAC 0.00004; ESP Exome Variant Server 0.00008; TOPMed 0.00015; 1000 Genomes Project 30x 0.00016; gnomAD 0.00016 and 0.00017; 1000 Genomes Project 0.00020.
gnomAD v4.1: 78 of 1,613,564 alleles (0.0048%); highest among the groups gnomAD compares: African/African-American, 0.049%; no homozygotes.

Submissions (5):

Mayo Clinic Laboratories, Mayo Clinic
Classification: Likely benign. Last evaluated: 2025-09-04. Review status: criteria provided, single submitter. Criteria: ACMG Guidelines, 2015. Collection method: clinical testing. Allele origin: germline. Observed: 1 variant allele.
Comment: BP4, BP7

Labcorp Genetics (formerly Invitae), Labcorp
Classification: Likely benign for Autosomal recessive polycystic kidney disease. Last evaluated: 2024-03-14. Review status: criteria provided, single submitter. Criteria: Invitae Variant Classification Sherloc (09022015). Collection method: clinical testing. Allele origin: germline.

Fulgent Genetics
Classification: Likely benign for Polycystic kidney disease 4. Last evaluated: 2021-09-29. Review status: criteria provided, single submitter. Criteria: ACMG Guidelines, 2015. Collection method: clinical testing. Allele origin: unknown.

PreventionGenetics, part of Exact Sciences
Classification: Likely benign for PKHD1-related condition. Last evaluated: 2021-07-19. Review status: no assertion criteria provided. Collection method: clinical testing. Allele origin: germline. Not counted in ClinVar's aggregate classification.
Comment: This variant is classified as likely benign based on ACMG/AMP sequence variant interpretation guidelines (Richards et al. 2015 PMID: 25741868, with internal and published modifications).

Natera, Inc.
Classification: Likely benign for Autosomal recessive polycystic kidney disease. Last evaluated: 2020-11-30. Review status: no assertion criteria provided. Collection method: clinical testing. Allele origin: germline. Not counted in ClinVar's aggregate classification.

NM_138694.4(PKHD1):c.2532C>T (p.Tyr844=)

Gene: PKHD1 (PKHD1 ciliary IPT domain containing fibrocystin/polyductin; minus strand). Cytogenetic location: 6p12.2.
Variant type: single nucleotide variant.
Coding change: c.2532C>T on transcript NM_138694.4 (MANE Select); coding-DNA position 2532, C replaced by T.
Protein change: p.Tyr844=; no amino-acid change (tyrosine 844 retained).
Molecular consequence: synonymous variant.
Genome position (GRCh38, 1-based): chr6:52,046,064, G>A on the plus strand (C>T on the coding strand, the complement: PKHD1 is on the minus strand). VCF-style: chr6-52046064-G-A. GRCh37 (hg19) VCF-style: chr6-51910862-G-A.
Other names: p.Tyr844=; c.2532C>T, p.Tyr844= (NM_170724.3).
Identifiers: ClinVar variation 700685 (VCV000700685.19), dbSNP rs150202544, ClinGen allele CA3853190.